The following is an entry in ClinVar:

NM_001367624.2(ZNF469):c.8307G>T (p.Glu2769Asp)

Gene: ZNF469 (zinc finger protein 469; plus strand). Cytogenetic location: 16q24.2.
Variant type: single nucleotide variant.
Coding change: c.8307G>T on transcript NM_001367624.2 (MANE Select); coding-DNA position 8307, G replaced by T.
Protein change: p.Glu2769Asp; replaces glutamic acid 2769 with aspartic acid.
Molecular consequence: missense variant.
Genome position (GRCh38, 1-based): chr16:88,435,777, G>T. VCF-style: chr16-88435777-G-T. GRCh37 (hg19) VCF-style: chr16-88502185-G-T.
Other names: NM_001127464.1:c.8223G>T; short protein forms E2769D.
Identifiers: ClinVar variation 5032256 (VCV005032256.1).
Genomic context (GRCh38, chr16:88,435,777, plus strand): 5'-AGCCTCGGCAAGGGGGTTCTGGGGACCAAGAGAGACCAAGGCGTTGGGTGTGTGCAAAGA[G>T]TCTGGGAGCGAGCCTGCGGAGGACAGCAGCAGGGCCCACAGCCGATCAGAGGAAGGTGTC-3'
Protein context (NP_001354553.1, residues 2759-2779): RETKALGVCK[Glu2769Asp]SGSEPAEDSS

ClinVar aggregate classification (germline): Uncertain significance (1 of 4 stars; one submission).

Conditions:
Cardiovascular phenotype. Identifiers: MedGen CN230736.

gnomAD v4.1: 1 of 1,550,700 alleles (0.000064%); highest among the groups gnomAD compares: Non-Finnish European, 0.000087%; no homozygotes.

Submission:

Ambry Genetics
Classification: Uncertain significance for Cardiovascular phenotype. Last evaluated: 2026-08-19. Review status: criteria provided, single submitter. Criteria: Ambry Variant Classification Scheme 2023. Collection method: clinical testing. Allele origin: germline.
Comment: The p.E2741D variant (also known as c.8223G>T), located in coding exon 2 of the ZNF469 gene, results from a G to T substitution at nucleotide position 8223. The glutamic acid at codon 2741 is replaced by aspartic acid, an amino acid with highly similar properties. This amino acid position is conserved. In addition, this alteration is predicted to be tolerated by in silico analysis. Based on the available evidence, the clinical significance of this variant remains unclear.